The following is an entry in ClinVar:

NM_000089.4(COL1A2):c.605G>T (p.Gly202Val)

Gene: COL1A2 (collagen type I alpha 2 chain; plus strand). Cytogenetic location: 7q21.3.
Variant type: single nucleotide variant.
Coding change: c.605G>T on transcript NM_000089.4 (MANE Select); coding-DNA position 605, G replaced by T.
Protein change: p.Gly202Val; replaces glycine 202 with valine.
Molecular consequence: missense variant.
Genome position (GRCh38, 1-based): chr7:94,407,857, G>T. VCF-style: chr7-94407857-G-T. GRCh37 (hg19) VCF-style: chr7-94037169-G-T.
Other names: short protein forms G202V.
Identifiers: ClinVar variation 1473887 (VCV001473887.6), dbSNP rs72656377, ClinGen allele CA368220144.
Genomic context (GRCh38, chr7:94,407,857, plus strand): 5'-AAAATAATTGTTATATTTAATGAACAAAAACTCAATCCTTCTCCATGTAGGGTGAACCTG[G>T]TGCCCCTGGTGAAAATGGAACTCCAGGTCAAACAGTAAGTATTGACTACTTCATTGTAAA-3'
Protein context (NP_000080.2, residues 192-212): PGAPGVKGEP[Gly202Val]APGENGTPGQ

ClinVar aggregate classification (germline): Likely pathogenic (1 of 4 stars; one submission).

Conditions:
Ehlers-Danlos syndrome, classic type, 1 (EDSCL1). Also called: EHLERS-DANLOS SYNDROME, GRAVIS TYPE; EHLERS-DANLOS SYNDROME, SEVERE CLASSIC TYPE; Ehlers-Danlos syndrome, type 1; Ehlers-Danlos Syndrome, Classic Type, COL5A1-Related; EDS I. Identifiers: MedGen C0268335, MONDO:0019567, OMIM 130000.
Osteogenesis imperfecta type I (OI1). Also called: OI, TYPE I; OSTEOGENESIS IMPERFECTA TARDA; OSTEOGENESIS IMPERFECTA WITH BLUE SCLERAE; Osteogenesis imperfecta type 1; Lobstein's Disease; Lobstein disease. Identifiers: Orphanet 216796, Orphanet 666, MedGen C0023931, MONDO:0008146, OMIM 166200. Disease mechanism: loss of function.

Submission:

Labcorp Genetics (formerly Invitae), Labcorp
Classification: Likely pathogenic for Osteogenesis imperfecta type I; Ehlers-Danlos syndrome, classic type, 1. Last evaluated: 2021-10-17. Review status: criteria provided, single submitter. Criteria: Invitae Variant Classification Sherloc (09022015). Collection method: clinical testing. Allele origin: germline.
Comment: This variant has not been reported in the literature in individuals affected with COL1A2-related conditions. This variant is not present in population databases (gnomAD no frequency). This sequence change replaces glycine, which is neutral and non-polar, with valine, which is neutral and non-polar, at codon 202 of the COL1A2 protein (p.Gly202Val). Advanced modeling of protein sequence and biophysical properties (such as structural, functional, and spatial information, amino acid conservation, physicochemical variation, residue mobility, and thermodynamic stability) performed at Invitae indicates that this missense variant is expected to disrupt COL1A2 protein function. In summary, the currently available evidence indicates that the variant is pathogenic, but additional data are needed to prove that conclusively. Therefore, this variant has been classified as Likely Pathogenic. This variant disrupts the p.Gly202 amino acid residue in COL1A2. Other variant(s) that disrupt this residue have been observed in individuals with COL1A2-related conditions (PMID: 26177859, 27509835), which suggests that this may be a clinically significant amino acid residue. This variant disrupts the triple helix domain of COL1A2. Glycine residues within the Gly-Xaa-Yaa repeats of the triple helix domain are required for the structure and stability of fibrillar collagens (PMID: 7695699, 8218237, 19344236). In COL1A2, variants affecting these glycine residues are significantly enriched in individuals with disease (PMID: 9016532, 17078022) compared to the general population (ExAC).

Literature cited by the submitters: PubMed 26177859; PubMed 27509835; PubMed 7695699; PubMed 8218237; PubMed 19344236; PubMed 9016532; PubMed 17078022.